The following is an entry in ClinVar:

ClinVar aggregate classification (germline): Benign. Review status: criteria provided, multiple submitters, no conflicts (2 of 4 stars). 2 submissions from 2 submitters: Benign (2). Last evaluated 2018-06-14.

Allele frequency attached by ClinVar (database versions not stated): gnomAD 0.27911 and 0.28498; TOPMed 0.28124; gnomAD exomes 0.30122; 1000 Genomes Project 30x 0.32355; 1000 Genomes Project 0.32788.
gnomAD v4.1: 289,930 of 970,936 alleles (30%); highest among the groups gnomAD compares: East Asian, 45%; 44,636 homozygotes.

Submissions (2):

GeneDx
Classification: Benign. Last evaluated: 2018-06-14. Review status: criteria provided, single submitter. Criteria: GeneDx Variant Classification (06012015). Collection method: clinical testing. Allele origin: germline. Affected: yes.
Comment: This variant is considered likely benign or benign based on one or more of the following criteria: it is a conservative change, it occurs at a poorly conserved position in the protein, it is predicted to be benign by multiple in silico algorithms, and/or has population frequency not consistent with disease.

Breakthrough Genomics
Classification: Benign. Review status: criteria provided, single submitter. Criteria: ACMG Guidelines, 2015. Collection method: not provided. Allele origin: germline. Inheritance: Autosomal dominant inheritance. Affected: yes.

NM_001103.4(ACTN2):c.1407-104T>C

Gene: ACTN2 (actinin alpha 2; plus strand). Cytogenetic location: 1q43.
Variant type: single nucleotide variant.
Coding change: c.1407-104T>C on transcript NM_001103.4 (MANE Select); 104 bases into the intron before coding-DNA position 1407, T replaced by C.
Molecular consequence: intron variant.
Genome position (GRCh38, 1-based): chr1:236,747,563, T>C. VCF-style: chr1-236747563-T-C. GRCh37 (hg19) VCF-style: chr1-236910863-T-C.
Other names: c.783-104T>C (NM_001278344.2); c.1407-104T>C (NM_001278343.2).
Identifiers: ClinVar variation 672446 (VCV000672446.2), dbSNP rs10802557, ClinGen allele CA15087742.